The following is an entry in ClinVar:

NM_002471.4(MYH6):c.4907G>A (p.Arg1636His)

Genes: MYH6 (myosin heavy chain 6; minus strand), LOC126861896 (BRD4-independent group 4 enhancer GRCh37_chr14:23854904-23856103; plus strand). Cytogenetic location: 14q11.2.
Variant type: single nucleotide variant.
Coding change: c.4907G>A on transcript NM_002471.4 (MANE Select); coding-DNA position 4907, G replaced by A.
Protein change: p.Arg1636His; replaces arginine 1636 with histidine.
Molecular consequence: missense variant.
Genome position (GRCh38, 1-based): chr14:23,386,367, C>T on the plus strand (G>A on the coding strand, the complement: MYH6 is on the minus strand). VCF-style: chr14-23386367-C-T. GRCh37 (hg19) VCF-style: chr14-23855576-C-T.
Other names: short protein forms R1636H.
Identifiers: ClinVar variation 263746 (VCV000263746.12), dbSNP rs746448302, ClinGen allele CA7114614.

ClinVar aggregate classification (germline): Uncertain significance. Review status: criteria provided, multiple submitters, no conflicts (2 of 4 stars). 4 submissions from 4 submitters: Uncertain significance (3). 1 of the submissions does not count toward it. Last evaluated 2026-01-30.

Conditions:
Cardiovascular phenotype. Identifiers: MedGen CN230736.
MYH6-related disorder. Also called: MYH6-related condition; MYH6-Related Disorders.
Hypertrophic cardiomyopathy 14. Identifiers: MedGen C2750467, MONDO:0013197, OMIM 613251.

Allele frequency attached by ClinVar (database versions not stated): ExAC 0.00001; gnomAD 0.00001; gnomAD exomes 0.00001; TOPMed 0.00005.

Submissions (4):

GeneDx
Classification: Uncertain significance. Last evaluated: 2026-01-30. Review status: criteria provided, single submitter. Criteria: GeneDx Variant Classification Process June 2021. Collection method: clinical testing. Allele origin: germline.
Comment: Not observed at significant frequency in large population cohorts (gnomAD); In silico analysis supports that this missense variant has a deleterious effect on protein structure/function; Has not been previously published as pathogenic or benign to our knowledge

Labcorp Genetics (formerly Invitae), Labcorp
Classification: Uncertain significance for Hypertrophic cardiomyopathy 14. Last evaluated: 2025-05-18. Review status: criteria provided, single submitter. Criteria: Invitae Variant Classification Sherloc (09022015). Collection method: clinical testing. Allele origin: germline.
Comment: This sequence change replaces arginine, which is basic and polar, with histidine, which is basic and polar, at codon 1636 of the MYH6 protein (p.Arg1636His). This variant is present in population databases (rs746448302, gnomAD 0.006%). This variant has not been reported in the literature in individuals affected with MYH6-related conditions. ClinVar contains an entry for this variant (Variation ID: 263746). Invitae Evidence Modeling of protein sequence and biophysical properties (such as structural, functional, and spatial information, amino acid conservation, physicochemical variation, residue mobility, and thermodynamic stability) indicates that this missense variant is expected to disrupt MYH6 protein function with a positive predictive value of 80%. In summary, the available evidence is currently insufficient to determine the role of this variant in disease. Therefore, it has been classified as a Variant of Uncertain Significance.

Ambry Genetics
Classification: Uncertain significance for Cardiovascular phenotype. Last evaluated: 2024-02-06. Review status: criteria provided, single submitter. Criteria: Ambry Variant Classification Scheme 2023. Collection method: clinical testing. Allele origin: germline.
Comment: The p.R1636H variant (also known as c.4907G>A), located in coding exon 31 of the MYH6 gene, results from a G to A substitution at nucleotide position 4907. The arginine at codon 1636 is replaced by histidine, an amino acid with highly similar properties. This alteration has been identified in a sudden infant death cohort; however, additional alterations in other cardiac-related genes were identified (Campuzano O et al. Forensic Sci Int Genet, 2018 11;37:54-63). This amino acid position is highly conserved in available vertebrate species. In addition, the in silico prediction for this alteration is inconclusive. Since supporting evidence is limited at this time, the clinical significance of this alteration remains unclear.

PreventionGenetics, part of Exact Sciences
Classification: Uncertain significance for MYH6-related condition. Last evaluated: 2024-08-28. Review status: no assertion criteria provided. Collection method: clinical testing. Allele origin: germline. Not counted in ClinVar's aggregate classification.
Comment: The MYH6 c.4907G>A variant is predicted to result in the amino acid substitution p.Arg1636His. This variant has been reported in a cohort study on sudden infant death (Table 2. Campuzano et al 2018. PubMed ID: 30086531). This variant is reported in 0.0065% of alleles in individuals of South Asian descent in gnomAD. At this time, the clinical significance of this variant is uncertain due to the absence of conclusive functional and genetic evidence.

Literature cited by the submitters: PubMed 30086531 (cited by Ambry Genetics).